The following is an entry in ClinVar:

NM_000465.4(BARD1):c.43C>T (p.Arg15Cys)

Gene: BARD1 (BRCA1 associated RING domain 1; minus strand). Cytogenetic location: 2q35.
Variant type: single nucleotide variant.
Coding change: c.43C>T on transcript NM_000465.4 (MANE Select); coding-DNA position 43, C replaced by T.
Protein change: p.Arg15Cys; replaces arginine 15 with cysteine.
Molecular consequence: missense variant. On other transcripts: non-coding transcript variant (3).
Genome position (GRCh38, 1-based): chr2:214,809,527, G>A on the plus strand (C>T on the coding strand, the complement: BARD1 is on the minus strand). VCF-style: chr2-214809527-G-A. GRCh37 (hg19) VCF-style: chr2-215674251-G-A.
Other names: c.43C>T, p.Arg15Cys (NM_001282543.2, NM_001282545.2, NM_001282548.2 and 1 more transcripts); short protein forms R15C.
Identifiers: ClinVar variation 530053 (VCV000530053.14), dbSNP rs1553628470, ClinGen allele CA350465304.
Genomic context (GRCh38, chr2:214,809,527, plus strand): 5'-CCCAGGCACCGCGACCATCCGGTTCCATGGCGGGCGCGGAACGAGGCTCGTTCCCGGAGC[G>A]GATCCTCGGCTGCCGGTTCCTCGGCTGCCGATTATCCGGCATCGTCCCGCCTTCGGATGA-3'
Protein context (NP_000456.2, residues 5-25): RQPRNRQPRI[Arg15Cys]SGNEPRSAPA

ClinVar aggregate classification (germline): Uncertain significance. Review status: criteria provided, multiple submitters, no conflicts (2 of 4 stars). 2 submissions from 2 submitters: Uncertain significance (2). Last evaluated 2025-12-29.

Conditions:
Familial cancer of breast. Also called: BREAST CANCER, FAMILIAL; Hereditary breast cancer; hereditary breast carcinoma. Identifiers: Orphanet 227535, MedGen C0346153, MONDO:0016419, OMIM 114480. Disease mechanism: loss of function.
Hereditary cancer-predisposing syndrome. Also called: Hereditary neoplastic syndrome; Neoplastic Syndromes, Hereditary; Hereditary Cancer Syndrome; Tumor predisposition. Identifiers: Orphanet 140162, MedGen C0027672, MeSH D009386, MONDO:0015356.

gnomAD v4.1: 3 of 1,588,276 alleles (0.00019%); highest among the groups gnomAD compares: Non-Finnish European, 0.00026%; no homozygotes.

Submissions (2):

Labcorp Genetics (formerly Invitae), Labcorp
Classification: Uncertain significance for Familial cancer of breast. Last evaluated: 2025-12-29. Review status: criteria provided, single submitter. Criteria: Invitae Variant Classification Sherloc (09022015). Collection method: clinical testing. Allele origin: germline.
Comment: This sequence change replaces arginine, which is basic and polar, with cysteine, which is neutral and slightly polar, at codon 15 of the BARD1 protein (p.Arg15Cys). This variant is not present in population databases (gnomAD no frequency). This variant has not been reported in the literature in individuals affected with BARD1-related conditions. ClinVar contains an entry for this variant (Variation ID: 530053). An algorithm developed to predict the effect of missense changes on protein structure and function (PolyPhen-2) suggests that this variant is likely to be disruptive. In summary, the available evidence is currently insufficient to determine the role of this variant in disease. Therefore, it has been classified as a Variant of Uncertain Significance.

Ambry Genetics
Classification: Uncertain significance for Hereditary cancer-predisposing syndrome. Last evaluated: 2022-08-07. Review status: criteria provided, single submitter. Criteria: Ambry Variant Classification Scheme 2023. Collection method: clinical testing. Allele origin: germline.
Comment: The p.R15C variant (also known as c.43C>T), located in coding exon 1 of the BARD1 gene, results from a C to T substitution at nucleotide position 43. The arginine at codon 15 is replaced by cysteine, an amino acid with highly dissimilar properties. This amino acid position is not well conserved in available vertebrate species. In addition, this alteration is predicted to be tolerated by in silico analysis. Since supporting evidence is limited at this time, the clinical significance of this alteration remains unclear.